The following is an entry in ClinVar:

ClinVar aggregate classification (germline): Uncertain significance (1 of 4 stars; one submission).

Submission:

Labcorp Genetics (formerly Invitae), Labcorp
Classification: Uncertain significance. Last evaluated: 2020-03-31. Review status: criteria provided, single submitter. Criteria: Invitae Variant Classification Sherloc (09022015). Collection method: clinical testing. Allele origin: germline.
Comment: In summary, the available evidence is currently insufficient to determine the role of this variant in disease. Therefore, it has been classified as a Variant of Uncertain Significance. Algorithms developed to predict the effect of missense changes on protein structure and function (SIFT, PolyPhen-2, Align-GVGD) all suggest that this variant is likely to be disruptive, but these predictions have not been confirmed by published functional studies and their clinical significance is uncertain. This variant has been observed in individual(s) with clinical features of Alport syndrome (Invitae). This variant is not present in population databases (ExAC no frequency). This sequence change replaces glycine with glutamic acid at codon 569 of the COL4A3 protein (p.Gly569Glu). The glycine residue is highly conserved and there is a moderate physicochemical difference between glycine and glutamic acid.

NM_000091.5(COL4A3):c.1706G>A (p.Gly569Glu)

Genes: COL4A3 (collagen type IV alpha 3 chain; plus strand), MFF-DT (MFF divergent transcript; minus strand). Cytogenetic location: 2q36.3.
Variant type: single nucleotide variant.
Coding change: c.1706G>A on transcript NM_000091.5 (MANE Select); coding-DNA position 1706, G replaced by A.
Protein change: p.Gly569Glu; replaces glycine 569 with glutamic acid.
Molecular consequence: missense variant.
Genome position (GRCh38, 1-based): chr2:227,270,900, G>A. VCF-style: chr2-227270900-G-A. GRCh37 (hg19) VCF-style: chr2-228135616-G-A.
Other names: short protein forms G569E.
Identifiers: ClinVar variation 1000072 (VCV001000072.9), dbSNP rs2071195158, ClinGen allele CA350871870.